The following is an entry in ClinVar:

NM_004130.4(GYG1):c.692_694delinsCC (p.Val231fs)

Gene: GYG1 (glycogenin 1; plus strand). Cytogenetic location: 3q24.
Variant type: Indel.
Coding change: c.692_694delinsCC on transcript NM_004130.4 (MANE Select); coding-DNA positions 692 to 694, TCA replaced by CC.
Protein change: p.Val231fs; shifts the reading frame from valine 231.
Molecular consequence: frameshift variant. On other transcripts: intron variant (1).
Genome position (GRCh38, 1-based): chr3:149,024,136-149,024,138, TCA replaced by CC. VCF-style: chr3-149024136-TCA-CC. GRCh37 (hg19) VCF-style: chr3-148741923-TCA-CC.
Other names: c.692_694delinsCC, p.Val231fs (NM_001184720.2); c.609-2624_609-2622delinsCC (NM_001184721.2); short protein forms V231fs.
Identifiers: ClinVar variation 4993878 (VCV004993878.1).

ClinVar aggregate classification (germline): Likely pathogenic (1 of 4 stars; one submission).

Conditions:
GYG1-related disorder. Also called: GYG1-related condition.

Submission:

PreventionGenetics, part of Exact Sciences
Classification: Likely pathogenic for GYG1-related condition. Last evaluated: 2026-05-11. Review status: criteria provided, single submitter. Criteria: ACMG Guidelines, 2015. Collection method: clinical testing. Allele origin: germline.
Comment: The GYG1 c.692_694delinsCC variant is predicted to result in a frameshift and premature protein termination (p.Val231Alafs*10). To our knowledge, this variant has not been reported in the literature or in a large population database (gnomAD), indicating this variant is rare. Frameshift variants in GYG1 are expected to be pathogenic. This variant is interpreted as likely pathogenic.